The following is an entry in ClinVar:

ClinVar aggregate classification (germline): Uncertain significance (1 of 4 stars; one submission).

Conditions:
TUB-related disorder. Also called: TUB-related condition.

gnomAD v4.1: 1 of 1,613,880 alleles (0.000062%); highest among the groups gnomAD compares: Admixed American, 0.0017%; no homozygotes.

Submission:

PreventionGenetics, part of Exact Sciences
Classification: Uncertain significance for TUB-related condition. Last evaluated: 2024-11-23. Review status: criteria provided, single submitter. Criteria: ACMG Guidelines, 2015. Collection method: clinical testing. Allele origin: germline.
Comment: The TUB c.526G>C variant is predicted to result in the amino acid substitution p.Gly176Arg. To our knowledge, this variant has not been reported in the literature. This variant is reported in 0.0029% of alleles in individuals of Latino descent in gnomAD. At this time, the clinical significance of this variant is uncertain due to the absence of conclusive functional and genetic evidence.

NM_177972.3(TUB):c.361G>C (p.Gly121Arg)

Genes: RIC3 (RIC3 acetylcholine receptor chaperone; minus strand), TUB (TUB bipartite transcription factor; plus strand). Cytogenetic location: 11p15.4.
Variant type: single nucleotide variant.
Coding change: c.361G>C on transcript NM_177972.3 (MANE Select); coding-DNA position 361, G replaced by C.
Protein change: p.Gly121Arg; replaces glycine 121 with arginine.
Molecular consequence: missense variant. On other transcripts: non-coding transcript variant (1).
Genome position (GRCh38, 1-based): chr11:8,094,153, G>C. VCF-style: chr11-8094153-G-C. GRCh37 (hg19) VCF-style: chr11-8115700-G-C.
Other names: c.379G>C, p.Gly127Arg (NM_001440538.1, NM_001440539.1, NM_001440540.1 and 1 more transcripts); c.361G>C, p.Gly121Arg (NM_001440541.1); c.526G>C, p.Gly176Arg (NM_003320.5); short protein forms G176R, G121R, G127R.
Identifiers: ClinVar variation 4977257 (VCV004977257.1).
Genomic context (GRCh38, chr11:8,094,153, plus strand): 5'-CCAACAGCACCAGCTTCAGCCAAGAGAACCAAGGCGGCAGCTACAGCAGGGGGCCAGGGT[G>C]GCGCCGCTAGGAAGGAGAAGAAGGGAAAGCACAAAGGTCAGCTCACATTCTCTACAGCCC-3'
Protein context (NP_813977.1, residues 111-131): KAAATAGGQG[Gly121Arg]AARKEKKGKH